The following is an entry in ClinVar:

NM_000143.4(FH):c.133-24A>G

Gene: FH (fumarate hydratase; minus strand). Cytogenetic location: 1q43.
Variant type: single nucleotide variant.
Coding change: c.133-24A>G on transcript NM_000143.4 (MANE Select); 24 bases into the intron before coding-DNA position 133, A replaced by G.
Molecular consequence: intron variant.
Genome position (GRCh38, 1-based): chr1:241,517,340, T>C on the plus strand (A>G on the coding strand, the complement: FH is on the minus strand). VCF-style: chr1-241517340-T-C. GRCh37 (hg19) VCF-style: chr1-241680640-T-C.
Identifiers: ClinVar variation 3278722 (VCV003278722.2).

ClinVar aggregate classification (germline): Uncertain significance (1 of 4 stars; one submission).

Conditions:
Hereditary cancer-predisposing syndrome. Also called: Tumor predisposition; Hereditary Cancer Syndrome; Hereditary neoplastic syndrome; Neoplastic Syndromes, Hereditary. Identifiers: Orphanet 140162, MedGen C0027672, MeSH D009386, MONDO:0015356.

Submission:

Ambry Genetics
Classification: Uncertain significance for Hereditary cancer-predisposing syndrome. Last evaluated: 2025-06-16. Review status: criteria provided, single submitter. Criteria: Ambry Variant Classification Scheme 2023. Collection method: clinical testing. Allele origin: germline.
Comment: The c.133-24A>G intronic variant results from an A to G substitution 24 nucleotides upstream from coding exon 2 in the FH gene. This nucleotide position is highly conserved in available vertebrate species. In silico splice site analysis predicts that this alteration will not have any significant effect on splicing. RNA studies have demonstrated that this alteration results in a splice defect; the clinical impact of this abnormal splicing is unknown at this time (Ambry internal data). Based on the available evidence, the clinical significance of this variant remains unclear.